The following is an entry in ClinVar:

ClinVar aggregate classification (germline): Uncertain significance (1 of 4 stars; one submission).

Conditions:
Primary ciliary dyskinesia. Also called: Ciliary dyskinesia. Identifiers: Orphanet 244, MedGen C0008780, MONDO:0016575, HP:0012265.

gnomAD v4.1: 6 of 1,550,694 alleles (0.00039%); highest among the groups gnomAD compares: Non-Finnish European, 0.00052%; no homozygotes.

Submission:

Ambry Genetics
Classification: Uncertain significance for Primary ciliary dyskinesia. Last evaluated: 2019-05-10. Review status: criteria provided, single submitter. Criteria: Ambry Variant Classification Scheme 2023. Collection method: clinical testing. Allele origin: germline.
Comment: The p.L2518V variant (also known as c.7552C>G), located in coding exon 45 of the DNAH5 gene, results from a C to G substitution at nucleotide position 7552. The leucine at codon 2518 is replaced by valine, an amino acid with highly similar properties. This amino acid position is highly conserved in available vertebrate species. In addition, this alteration is predicted to be tolerated by in silico analysis. Since supporting evidence is limited at this time, the clinical significance of this alteration remains unclear.

NM_001369.3(DNAH5):c.7552C>G (p.Leu2518Val)

Gene: DNAH5 (dynein axonemal heavy chain 5; minus strand). Cytogenetic location: 5p15.2.
Variant type: single nucleotide variant.
Coding change: c.7552C>G on transcript NM_001369.3 (MANE Select); coding-DNA position 7552, C replaced by G.
Protein change: p.Leu2518Val; replaces leucine 2518 with valine.
Molecular consequence: missense variant.
Genome position (GRCh38, 1-based): chr5:13,810,116, G>C on the plus strand (C>G on the coding strand, the complement: DNAH5 is on the minus strand). VCF-style: chr5-13810116-G-C. GRCh37 (hg19) VCF-style: chr5-13810225-G-C.
Other names: short protein forms L2518V.
Identifiers: ClinVar variation 1759492 (VCV001759492.2), dbSNP rs1272856578, ClinGen allele CA359231706.